The following is an entry in ClinVar:

NM_018406.7(MUC4):c.9025del (p.Leu3009fs)

Gene: MUC4 (mucin 4, cell surface associated). Cytogenetic location: 3q29.
Variant type: Deletion.
Coding change: c.9025del on transcript NM_018406.7 (MANE Select); coding-DNA position 9025, one base deleted.
Protein change: p.Leu3009fs; shifts the reading frame from leucine 3009.
Molecular consequence: frameshift variant. On other transcripts: intron variant (2).
Genome position: GRCh38 VCF-style: chr3-195782554-AG-A. GRCh37 (hg19) VCF-style: chr3-195509425-AG-A.
Other names: c.83-8250del (NM_138297.5); c.83-4100del (NM_004532.6); short protein forms L3009fs.
Identifiers: ClinVar variation 4883887 (VCV004883887.2).

ClinVar aggregate classification (germline): Uncertain significance (1 of 4 stars; one submission).

Submission:

Dasa
Classification: Uncertain significance. Last evaluated: 2026-01-29. Review status: criteria provided, single submitter. Criteria: DASA Assertion Criteria. Collection method: clinical testing. Allele origin: germline.
Comment: NM_018406.7(MUC4):c.9025del (p.Leu3009Phefs*1250) is a frameshift variant in MUC4 predicted to alter the reading frame and introduce a premature termination codon. This variant is rare in population databases. Computational prediction algorithms are consistent with a benign effect. The currently available literature and clinical evidence are not sufficient to establish a definitive association between this variant and the reported condition. Therefore, this variant is classified as a variant of uncertain significance.